The following is an entry in ClinVar:

NM_015331.3(NCSTN):c.313A>T (p.Arg105Trp)

Gene: NCSTN (nicastrin; plus strand). Cytogenetic location: 1q23.2.
Variant type: single nucleotide variant.
Coding change: c.313A>T on transcript NM_015331.3 (MANE Select); coding-DNA position 313, A replaced by T.
Protein change: p.Arg105Trp; replaces arginine 105 with tryptophan.
Molecular consequence: missense variant.
Genome position (GRCh38, 1-based): chr1:160,349,121, A>T. VCF-style: chr1-160349121-A-T. GRCh37 (hg19) VCF-style: chr1-160318911-A-T.
Other names: c.253A>T, p.Arg85Trp (NM_001290184.2); c.313A>T, p.Arg105Trp (NM_001290186.2, NM_001349729.2); c.313A>T (NM_015331.2); short protein forms R85W, R105W.
Identifiers: ClinVar variation 1364651 (VCV001364651.9), dbSNP rs531414824, ClinGen allele CA1198653.

ClinVar aggregate classification (germline): Uncertain significance. Review status: criteria provided, multiple submitters, no conflicts (2 of 4 stars). 2 submissions from 2 submitters: Uncertain significance (2). Last evaluated 2025-07-17.

Conditions:
Inborn genetic diseases. Identifiers: MedGen C0950123, MeSH D030342.

Allele frequency attached by ClinVar (database versions not stated): ExAC 0.00001; gnomAD 0.00003 and 0.00004.
gnomAD v4.1: 99 of 1,614,040 alleles (0.0061%); highest among the groups gnomAD compares: Non-Finnish European, 0.008%; no homozygotes.

Submissions (2):

Labcorp Genetics (formerly Invitae), Labcorp
Classification: Uncertain significance. Last evaluated: 2025-07-17. Review status: criteria provided, single submitter. Criteria: Invitae Variant Classification Sherloc (09022015). Collection method: clinical testing. Allele origin: germline.
Comment: This sequence change replaces arginine, which is basic and polar, with tryptophan, which is neutral and slightly polar, at codon 105 of the NCSTN protein (p.Arg105Trp). This variant is present in population databases (rs531414824, gnomAD 0.006%). This variant has not been reported in the literature in individuals affected with NCSTN-related conditions. ClinVar contains an entry for this variant (Variation ID: 1364651). An algorithm developed to predict the effect of missense changes on protein structure and function (PolyPhen-2) suggests that this variant is likely to be tolerated. Algorithms developed to predict the effect of sequence changes on RNA splicing suggest that this variant may disrupt the consensus splice site. In summary, the available evidence is currently insufficient to determine the role of this variant in disease. Therefore, it has been classified as a Variant of Uncertain Significance.

Ambry Genetics
Classification: Uncertain significance for Inborn genetic diseases. Last evaluated: 2024-08-05. Review status: criteria provided, single submitter. Criteria: Ambry Variant Classification Scheme 2023. Collection method: clinical testing. Allele origin: germline.